The following is an entry in ClinVar:

NM_005732.4(RAD50):c.3879C>T (p.Ile1293=)

Genes: RAD50 (RAD50 double strand break repair protein; plus strand), TH2LCRR (T helper type 2 locus control region associated RNA; minus strand). Cytogenetic location: 5q31.1.
Variant type: single nucleotide variant.
Coding change: c.3879C>T on transcript NM_005732.4 (MANE Select); coding-DNA position 3879, C replaced by T.
Protein change: p.Ile1293=; no amino-acid change (isoleucine 1293 retained).
Molecular consequence: synonymous variant.
Genome position (GRCh38, 1-based): chr5:132,642,304, C>T. VCF-style: chr5-132642304-C-T. GRCh37 (hg19) VCF-style: chr5-131977996-C-T.
Other names: p.I1293I:ATC>ATT.
Identifiers: ClinVar variation 37384 (VCV000037384.60), dbSNP rs28903094, ClinGen allele CA260626.

ClinVar aggregate classification (germline): Conflicting classifications of pathogenicity. Review status: criteria provided, conflicting classifications (1 of 4 stars). 14 submissions from 14 submitters: Uncertain significance (1); Benign (7); Likely benign (3). 3 of the submissions do not count toward it. Last evaluated 2026-08-01.

Conditions:
Hereditary cancer-predisposing syndrome. Also called: Neoplastic Syndromes, Hereditary; Hereditary neoplastic syndrome; Hereditary Cancer Syndrome; Tumor predisposition. Identifiers: Orphanet 140162, MedGen C0027672, MeSH D009386, MONDO:0015356.
Nijmegen breakage syndrome-like disorder (NBSLD). Also called: MICROCEPHALY AND SPONTANEOUS CHROMOSOME INSTABILITY WITHOUT IMMUNODEFICIENCY; NBS-LIKE DISORDER; RAD50 DEFICIENCY. Identifiers: Orphanet 240760, MedGen C2751318, MONDO:0013118, OMIM 613078.

Allele frequency attached by ClinVar (database versions not stated): gnomAD exomes 0.00428 and 0.00249; ExAC 0.00219; gnomAD 0.00280 and 0.00293; TOPMed 0.00309; ESP Exome Variant Server 0.00331; 1000 Genomes Project 0.00120; 1000 Genomes Project 30x 0.00094.
gnomAD v4.1: 6,625 of 1,613,892 alleles (0.41%); highest among the groups gnomAD compares: Non-Finnish European, 0.51%; 18 homozygotes.

Submissions (14):

CeGaT Center for Human Genetics Tuebingen
Classification: Likely benign. Last evaluated: 2026-08-01. Review status: criteria provided, single submitter. Criteria: CeGaT Center For Human Genetics Tuebingen Variant Classification Criteria Version 2. Collection method: clinical testing. Allele origin: germline. Affected: yes. Observed: 22 variant alleles.
Comment: RAD50: BP4, BP7, BS2

Labcorp Genetics (formerly Invitae), Labcorp
Classification: Benign for Hereditary cancer-predisposing syndrome. Last evaluated: 2026-02-03. Review status: criteria provided, single submitter. Criteria: Invitae Variant Classification Sherloc (09022015). Collection method: clinical testing. Allele origin: germline.

Quest Diagnostics Nichols Institute San Juan Capistrano
Classification: Benign. Last evaluated: 2025-04-03. Review status: criteria provided, single submitter. Criteria: Quest Diagnostics criteria. Collection method: clinical testing. Allele origin: unknown.

Blueprint Genetics
Classification: Likely benign. Last evaluated: 2024-11-20. Review status: criteria provided, single submitter. Criteria: ACMG Guidelines, 2015. Collection method: clinical testing. Allele origin: germline.

Ambry Genetics
Classification: Likely benign for Hereditary cancer-predisposing syndrome. Last evaluated: 2023-01-17. Review status: criteria provided, single submitter. Criteria: Ambry Variant Classification Scheme 2023. Collection method: clinical testing. Allele origin: germline.

Institute for Clinical Genetics, University Hospital TU Dresden, University Hospital TU Dresden
Classification: Uncertain significance. Last evaluated: 2021-11-03. Review status: criteria provided, single submitter. Criteria: ACMG Guidelines, 2015. Collection method: clinical testing. Allele origin: germline.

Genetic Services Laboratory, University of Chicago
Classification: Benign. Last evaluated: 2021-01-05. Review status: criteria provided, single submitter. Criteria: ACMG Guidelines, 2015. Collection method: clinical testing. Allele origin: germline. Affected: no.

Sema4
Classification: Benign for Nijmegen breakage syndrome-like disorder. Last evaluated: 2020-10-22. Review status: criteria provided, single submitter. Criteria: Sema4 Curation Guidelines. Collection method: curation. Allele origin: germline.

Women's Health and Genetics/Laboratory Corporation of America, LabCorp
Classification: Benign. Last evaluated: 2017-06-16. Review status: criteria provided, single submitter. Criteria: LabCorp Variant Classification Summary - May 2015. Collection method: clinical testing. Allele origin: germline.
Comment: Variant summary: The RAD50 c.3879C>T (p.Ile1293Ile) variant involves the alteration of a non-conserved nucleotide, resulting in a synonymous change. One in silico tool predicts a damaging outcome for this variant. 5/5 splice prediction tools predict no significant impact on normal splicing. ESE finder predicts that this variant may affect multiple ESE sites. However, these predictions have yet to be confirmed by functional studies. This variant was found in 266/121258 control chromosomes (1 homozygote) at a frequency of 0.0021937, which is approximately 35 times the estimated maximal expected allele frequency of a pathogenic RAD50 variant (0.0000625), suggesting this variant is likely a benign polymorphism. In addition, multiple clinical diagnostic laboratories/reputable databases classified this variant as benign/likely benign. Taken together, this variant is classified as benign.

Eurofins Ntd Llc (ga)
Classification: Benign. Last evaluated: 2017-01-19. Review status: criteria provided, single submitter. Criteria: EGL Classification Definitions 2015. Collection method: clinical testing. Allele origin: germline. Observed: 1 variant allele, 1 heterozygote.

GeneDx
Classification: Benign. Last evaluated: 2013-10-25. Review status: criteria provided, single submitter. Criteria: GeneDx Variant Classification (06012015). Collection method: clinical testing. Allele origin: germline. Affected: yes.
Comment: This variant is considered likely benign or benign based on one or more of the following criteria: it is a conservative change, it occurs at a poorly conserved position in the protein, it is predicted to be benign by multiple in silico algorithms, and/or has population frequency not consistent with disease.

Counsyl
Classification: Likely benign for Nijmegen breakage syndrome-like disorder. Last evaluated: 2016-08-22. Review status: no assertion criteria provided. Collection method: clinical testing. Allele origin: unknown. Not counted in ClinVar's aggregate classification.

Clinical Genetics DNA and cytogenetics Diagnostics Lab, Erasmus MC, Erasmus Medical Center
Classification: Likely benign. Review status: no assertion criteria provided. Collection method: clinical testing. Allele origin: germline. Affected: yes. Study: VKGL Data-share Consensus. Not counted in ClinVar's aggregate classification.

Genome Diagnostics Laboratory, Amsterdam University Medical Center
Classification: Benign. Review status: no assertion criteria provided. Collection method: clinical testing. Allele origin: germline. Affected: yes. Study: VKGL Data-share Consensus. Not counted in ClinVar's aggregate classification.

Literature cited by the submitters: PubMed 26787654 (cited by Quest Diagnostics Nichols Institute San Juan Capistrano and Women's Health and Genetics/Laboratory Corporation of America, LabCorp); PubMed 24894818 (cited by Quest Diagnostics Nichols Institute San Juan Capistrano and Counsyl); PubMed 19638463 (cited by Quest Diagnostics Nichols Institute San Juan Capistrano and Counsyl); PubMed 16385572 (cited by Quest Diagnostics Nichols Institute San Juan Capistrano and Counsyl); PubMed 26635394 (cited by Counsyl).